The following is an entry in ClinVar:

ClinVar aggregate classification (germline): Uncertain significance (1 of 4 stars; one submission).

Conditions:
Muscular dystrophy-dystroglycanopathy (congenital with brain and eye anomalies), type a, 12 (MDDGA12). Also called: WALKER-WARBURG SYNDROME OR MUSCLE-EYE-BRAIN DISEASE, POMK-RELATED. Identifiers: Orphanet 899, MedGen C3808964, MONDO:0014101, OMIM 615249.
Limb-girdle muscular dystrophy due to POMK deficiency. Also called: Muscular dystrophy-dystroglycanopathy (limb-girdle), type c, 12; MUSCULAR DYSTROPHY-DYSTROGLYCANOPATHY, LIMB-GIRDLE, POMK-RELATED. Identifiers: Orphanet 445110, MedGen C4015184, MONDO:0014489, OMIM 616094.

Submission:

Labcorp Genetics (formerly Invitae), Labcorp
Classification: Uncertain significance for Muscular dystrophy-dystroglycanopathy (congenital with brain and eye anomalies), type a, 12; Limb-girdle muscular dystrophy due to POMK deficiency. Last evaluated: 2022-06-29. Review status: criteria provided, single submitter. Criteria: Invitae Variant Classification Sherloc (09022015). Collection method: clinical testing. Allele origin: germline.
Comment: This sequence change replaces lysine, which is basic and polar, with glutamic acid, which is acidic and polar, at codon 168 of the POMK protein (p.Lys168Glu). This variant is not present in population databases (gnomAD no frequency). This variant has not been reported in the literature in individuals affected with POMK-related conditions. Algorithms developed to predict the effect of missense changes on protein structure and function are either unavailable or do not agree on the potential impact of this missense change (SIFT: "Deleterious"; PolyPhen-2: "Benign"; Align-GVGD: "Class C15"). In summary, the available evidence is currently insufficient to determine the role of this variant in disease. Therefore, it has been classified as a Variant of Uncertain Significance.

NM_032237.5(POMK):c.502A>G (p.Lys168Glu)

Gene: POMK (protein O-mannose kinase; plus strand). Cytogenetic location: 8p11.21.
Variant type: single nucleotide variant.
Coding change: c.502A>G on transcript NM_032237.5 (MANE Select); coding-DNA position 502, A replaced by G.
Protein change: p.Lys168Glu; replaces lysine 168 with glutamic acid.
Molecular consequence: missense variant.
Genome position (GRCh38, 1-based): chr8:43,122,326, A>G. VCF-style: chr8-43122326-A-G. GRCh37 (hg19) VCF-style: chr8-42977469-A-G.
Other names: c.502A>G, p.Lys168Glu (NM_001277971.2); short protein forms K168E.
Identifiers: ClinVar variation 2012134 (VCV002012134.4), dbSNP rs756014333, ClinGen allele CA371122041.